The following is an entry in ClinVar:

NM_032119.4(ADGRV1):c.13402A>G (p.Ile4468Val)

Gene: ADGRV1 (adhesion G protein-coupled receptor V1; plus strand). Cytogenetic location: 5q14.3.
Variant type: single nucleotide variant.
Coding change: c.13402A>G on transcript NM_032119.4 (MANE Select); coding-DNA position 13402, A replaced by G.
Protein change: p.Ile4468Val; replaces isoleucine 4468 with valine.
Molecular consequence: missense variant. On other transcripts: non-coding transcript variant (1).
Genome position (GRCh38, 1-based): chr5:90,783,294, A>G. VCF-style: chr5-90783294-A-G. GRCh37 (hg19) VCF-style: chr5-90079111-A-G.
Other names: short protein forms I4468V.
Identifiers: ClinVar variation 1043382 (VCV001043382.6), dbSNP rs1759056882, ClinGen allele CA360394300.

ClinVar aggregate classification (germline): Uncertain significance (1 of 4 stars; one submission).

gnomAD v4.1: 4 of 1,612,838 alleles (0.00025%); highest among the groups gnomAD compares: Admixed American, 0.0033%; no homozygotes.

Submission:

Labcorp Genetics (formerly Invitae), Labcorp
Classification: Uncertain significance. Last evaluated: 2021-08-20. Review status: criteria provided, single submitter. Criteria: Invitae Variant Classification Sherloc (09022015). Collection method: clinical testing. Allele origin: germline.
Comment: This sequence change replaces isoleucine with valine at codon 4468 of the ADGRV1 protein (p.Ile4468Val). The isoleucine residue is highly conserved and there is a small physicochemical difference between isoleucine and valine. This variant is not present in population databases (ExAC no frequency). This variant has not been reported in the literature in individuals affected with ADGRV1-related conditions. Algorithms developed to predict the effect of missense changes on protein structure and function are either unavailable or do not agree on the potential impact of this missense change (SIFT: "Deleterious"; PolyPhen-2: "Possibly Damaging"; Align-GVGD: "Class C0"). In summary, the available evidence is currently insufficient to determine the role of this variant in disease. Therefore, it has been classified as a Variant of Uncertain Significance.